The following is an entry in ClinVar:

ClinVar aggregate classification (germline): Uncertain significance (1 of 4 stars; one submission).

Submission:

GeneDx
Classification: Uncertain significance. Last evaluated: 2025-01-15. Review status: criteria provided, single submitter. Criteria: GeneDx Variant Classification Process June 2021. Collection method: clinical testing. Allele origin: germline. Affected: yes.
Comment: Not observed at significant frequency in large population cohorts (gnomAD); In silico analysis supports that this missense variant has a deleterious effect on protein structure/function; Has not been previously published as pathogenic or benign to our knowledge

NM_001039591.3(USP9X):c.5426C>T (p.Ala1809Val)

Gene: USP9X (ubiquitin specific peptidase 9 X-linked; plus strand). Cytogenetic location: Xp11.4.
Variant type: single nucleotide variant.
Coding change: c.5426C>T on transcript NM_001039591.3 (MANE Select); coding-DNA position 5426, C replaced by T.
Protein change: p.Ala1809Val; replaces alanine 1809 with valine.
Molecular consequence: missense variant.
Genome position (GRCh38, 1-based): chrX:41,215,993, C>T. VCF-style: chrX-41215993-C-T. GRCh37 (hg19) VCF-style: chrX-41075246-C-T.
Other names: c.5426C>T, p.Ala1809Val (NM_001039590.3); c.5441C>T, p.Ala1814Val (NM_001410748.1, NM_001410749.1); short protein forms A1809V, A1814V.
Identifiers: ClinVar variation 4070612 (VCV004070612.1).